The following is an entry in ClinVar:

NM_000535.7(PMS2):c.1876_1880del (p.Ala626fs)

Gene: PMS2 (PMS1 homolog 2, mismatch repair system component; minus strand). Cytogenetic location: 7p22.1.
Variant type: Deletion.
Coding change: c.1876_1880del on transcript NM_000535.7 (MANE Select); coding-DNA positions 1876 to 1880, 5 bases deleted (GCTAA; older notation c.1876_1880delGCTAA).
Protein change: p.Ala626fs; shifts the reading frame from alanine 626.
Molecular consequence: frameshift variant. On other transcripts: non-coding transcript variant (1), intron variant (1).
Genome position (GRCh38, 1-based): chr7:5,986,885-5,986,889, TTAGC deleted on the plus strand (GCTAA on the coding strand, the reverse complement: PMS2 is on the minus strand); deleting any 5 consecutive bases within chr7:5,986,885-5,986,890 gives the same sequence; the c. name uses the placement nearest the transcript's 3' end. VCF-style (leftmost placement, unchanged base first): chr7-5986884-TTTAGC-T. GRCh37 (hg19) VCF-style: chr7-6026515-TTTAGC-T.
Other names: c.1470_1474delAGCTA, p.Ala491Thrfs (NM_001018040.1); c.1471_1475del, p.Ala491fs (NM_001322003.2, NM_001322004.2, NM_001322005.2 and 16 more transcripts); c.1720_1724del, p.Ala574fs (NM_001322006.2, NM_001406870.1); c.1558_1562del, p.Ala520fs (NM_001322007.2, NM_001322008.2, NM_001406876.1 and 2 more transcripts); c.1315_1319del, p.Ala439fs (NM_001322010.2, NM_001406906.1, NM_001406907.1); c.943_947del, p.Ala315fs (NM_001322011.2, NM_001322012.2); c.1303_1307del, p.Ala435fs (NM_001322013.2, NM_001406909.1); c.1876_1880del, p.Ala626fs (NM_001322014.2, NM_001406871.1, NM_001406872.1); and 14 more; short protein forms A315fs, A369fs, A435fs, A439fs, A455fs, A468fs, A471fs, A491fs.
Identifiers: ClinVar variation 2674232 (VCV002674232.1), dbSNP rs2535719139, ClinGen allele CA2695198412.

ClinVar aggregate classification (germline): Pathogenic (1 of 4 stars; one submission).

Conditions:
Lynch syndrome 4 (LYNCH4). Also called: Hereditary non-polyposis colorectal cancer, type 4; Colorectal cancer, hereditary nonpolyposis, type 4. Identifiers: Orphanet 144, MedGen C1838333, MONDO:0013699, OMIM 614337. Disease mechanism: loss of function.

Submission:

Myriad Genetics, Inc.
Classification: Pathogenic for Lynch syndrome 4. Last evaluated: 2023-09-21. Review status: criteria provided, single submitter. Criteria: Myriad Autosomal Dominant, Autosomal Recessive and X-Linked Classification Criteria (2023). Collection method: clinical testing. Allele origin: unknown.
Comment: This variant is considered pathogenic. This variant creates a frameshift predicted to result in premature protein truncation.